The following is an entry in ClinVar:

ClinVar aggregate classification (germline): Likely pathogenic (1 of 4 stars; one submission).

Submission:

CeGaT Center for Human Genetics Tuebingen
Classification: Likely pathogenic. Last evaluated: 2026-06-01. Review status: criteria provided, single submitter. Criteria: CeGaT Center For Human Genetics Tuebingen Variant Classification Criteria Version 2. Collection method: clinical testing. Allele origin: germline. Affected: yes. Observed: 1 variant allele.
Comment: PRX: PVS1:Strong, PM2, PM3:Supporting

NM_181882.3(PRX):c.2388del (p.Glu796fs)

Gene: PRX (periaxin; minus strand). Cytogenetic location: 19q13.2.
Variant type: Deletion.
Coding change: c.2388del on transcript NM_181882.3 (MANE Select); coding-DNA position 2388, one base deleted (A; older notation c.2388delA).
Protein change: p.Glu796fs; shifts the reading frame from glutamic acid 796.
Molecular consequence: frameshift variant. On other transcripts: 3 prime UTR variant (1).
Genome position (GRCh38, 1-based): chr19:40,395,964, T deleted on the plus strand (A on the coding strand, the reverse complement: PRX is on the minus strand); the first of 2 consecutive T bases (chr19:40,395,964-40,395,965); deleting either gives the same sequence. VCF-style (leftmost placement, unchanged base first): chr19-40395963-AT-A. GRCh37 (hg19) VCF-style: chr19-40901870-AT-A.
Other names: c.2673del, p.Glu891fs (NM_001411127.1); c.*2593del (NM_020956.2); short protein forms E796fs, E891fs.
Identifiers: ClinVar variation 4875146 (VCV004875146.2).
Genomic context (GRCh38, chr19:40,395,963, plus strand): 5'-GTGATGGGGACTCTGCCCTCCCTAGCTTGGGCATGGTCATCTTGGGCATCTTGAAGCCAA[AT>A]TCCATCCCTTCTGCCTGTTCTGCCTTGGTGGCCTTTAGCTGCACCTCCGGAGCCCTGGGC-3'